The following is an entry in ClinVar:

NM_001035.3(RYR2):c.4160+7A>G

Genes: RYR2 (ryanodine receptor 2; plus strand), LOC126806067 (BRD4-independent group 4 enhancer GRCh37_chr1:237753258-237754457; plus strand). Cytogenetic location: 1q43.
Variant type: single nucleotide variant.
Coding change: c.4160+7A>G on transcript NM_001035.3 (MANE Select); 7 bases into the intron after coding-DNA position 4160, A replaced by G.
Molecular consequence: intron variant.
Genome position (GRCh38, 1-based): chr1:237,590,999, A>G. VCF-style: chr1-237590999-A-G. GRCh37 (hg19) VCF-style: chr1-237754299-A-G.
Other names: p.?.
Identifiers: ClinVar variation 43781 (VCV000043781.27), dbSNP rs377465289, ClinGen allele CA009481.

ClinVar aggregate classification (germline): Conflicting classifications of pathogenicity. Review status: criteria provided, conflicting classifications (1 of 4 stars). 7 submissions from 7 submitters: Uncertain significance (1); Likely benign (4). 2 of the submissions do not count toward it. Last evaluated 2025-10-20.

Conditions:
Catecholaminergic polymorphic ventricular tachycardia 1. Also called: VENTRICULAR TACHYCARDIA, CATECHOLAMINERGIC POLYMORPHIC, 1, WITH OR WITHOUT ATRIAL DYSFUNCTION AND/OR DILATED CARDIOMYOPATHY; VENTRICULAR TACHYCARDIA, STRESS-INDUCED POLYMORPHIC 1; RYR2-Related Catecholaminergic Polymorphic Ventricular Tachycardia. Identifiers: Orphanet 3286, MedGen C1631597, MONDO:0011484, OMIM 604772.

Allele frequency attached by ClinVar (database versions not stated): gnomAD 0.00004; ExAC 0.00006; TOPMed 0.00006; gnomAD exomes 0.00007; ESP Exome Variant Server 0.00008.
gnomAD v4.1: 91 of 1,602,862 alleles (0.0057%); highest among the groups gnomAD compares: Non-Finnish European, 0.007%; no homozygotes.

Submissions (7):

Mayo Clinic Laboratories, Mayo Clinic
Classification: Likely benign. Last evaluated: 2025-10-20. Review status: criteria provided, single submitter. Criteria: ACMG Guidelines, 2015. Collection method: clinical testing. Allele origin: germline. Observed: 1 variant allele.
Comment: BP4, BP7

Labcorp Genetics (formerly Invitae), Labcorp
Classification: Likely benign for Catecholaminergic polymorphic ventricular tachycardia 1. Last evaluated: 2025-09-12. Review status: criteria provided, single submitter. Criteria: Invitae Variant Classification Sherloc (09022015). Collection method: clinical testing. Allele origin: germline.

Blueprint Genetics
Classification: Likely benign. Last evaluated: 2024-10-02. Review status: criteria provided, single submitter. Criteria: ACMG Guidelines, 2015. Collection method: clinical testing. Allele origin: germline.

Eurofins Ntd Llc (ga)
Classification: Uncertain significance. Last evaluated: 2016-07-15. Review status: criteria provided, single submitter. Criteria: EGL Classification Definitions 2015. Collection method: clinical testing. Allele origin: germline. Observed: 1 variant allele, 1 heterozygote.

Laboratory for Molecular Medicine, Mass General Brigham Personalized Medicine
Classification: Likely benign. Last evaluated: 2012-11-07. Review status: criteria provided, single submitter. Criteria: LMM Criteria. Collection method: clinical testing. Allele origin: germline. Observed: 1 variant allele.
Comment: 4160+7A>G in intron 31 of RYR2: This variant is not expected to have clinical si gnificance because it is not located within the invariant +/- 1, 2 region. It ha s been identified in 1/8184 European American chromosomes from a broad populatio n by the NHLBI Exome Sequencing Project. 41 60+7A>G in intron 31 of RYR2 (allele frequency= 1/8184) **

Diagnostic Laboratory, Department of Genetics, University Medical Center Groningen
Classification: Likely benign. Review status: no assertion criteria provided. Collection method: clinical testing. Allele origin: germline. Affected: yes. Study: VKGL Data-share Consensus. Not counted in ClinVar's aggregate classification.

Genome Diagnostics Laboratory, University Medical Center Utrecht
Classification: Likely benign. Review status: no assertion criteria provided. Collection method: clinical testing. Allele origin: germline. Affected: yes. Study: VKGL Data-share Consensus. Not counted in ClinVar's aggregate classification.